The following is an entry in ClinVar:

ClinVar aggregate classification (germline): Uncertain significance (1 of 4 stars; one submission).

Submission:

Labcorp Genetics (formerly Invitae), Labcorp
Classification: Uncertain significance. Last evaluated: 2022-05-14. Review status: criteria provided, single submitter. Criteria: Invitae Variant Classification Sherloc (09022015). Collection method: clinical testing. Allele origin: germline.
Comment: This sequence change falls in intron 10 of the TEAD1 gene. It does not directly change the encoded amino acid sequence of the TEAD1 protein. It affects a nucleotide within the consensus splice site. This variant is present in population databases (rs753590482, gnomAD 0.006%). This variant has not been reported in the literature in individuals affected with TEAD1-related conditions. Variants that disrupt the consensus splice site are a relatively common cause of aberrant splicing (PMID: 17576681, 9536098). Algorithms developed to predict the effect of sequence changes on RNA splicing suggest that this variant is not likely to affect RNA splicing. In summary, the available evidence is currently insufficient to determine the role of this variant in disease. Therefore, it has been classified as a Variant of Uncertain Significance.

Literature cited by the submitters: PubMed 17576681; PubMed 9536098.

NM_021961.6(TEAD1):c.873+3_873+6del

Gene: TEAD1 (TEA domain transcription factor 1; plus strand). Cytogenetic location: 11p15.3.
Variant type: Deletion.
Coding change: c.873+3_873+6del on transcript NM_021961.6 (MANE Select); bases 3 to 6 of the intron after coding-DNA position 873, 4 bases deleted (GAGT; older notation c.873+3_873+6delGAGT).
Molecular consequence: splice donor variant.
Genome position (GRCh38, 1-based): chr11:12,902,116-12,902,119, GAGT deleted; deleting any 4 consecutive bases within chr11:12,902,114-12,902,119 gives the same sequence; the c. name uses the placement nearest the transcript's 3' end. VCF-style (leftmost placement, unchanged base first): chr11-12902113-GGTGA-G. GRCh37 (hg19) VCF-style: chr11-12923660-GGTGA-G.
Identifiers: ClinVar variation 2083372 (VCV002083372.4), dbSNP rs753590482, ClinGen allele CA5891752.